The following is an entry in ClinVar:

ClinVar aggregate classification (germline): Uncertain significance (1 of 4 stars; one submission).

Submission:

GeneDx
Classification: Uncertain significance. Last evaluated: 2023-01-25. Review status: criteria provided, single submitter. Criteria: GeneDx Variant Classification Process June 2021. Collection method: clinical testing. Allele origin: germline. Affected: yes.
Comment: Not observed at significant frequency in large population cohorts (gnomAD); In silico analysis supports that this missense variant does not alter protein structure/function; Has not been previously published as pathogenic or benign to our knowledge.

NM_003482.4(KMT2D):c.6211C>T (p.His2071Tyr)

Gene: KMT2D (lysine methyltransferase 2D; minus strand). Cytogenetic location: 12q13.12.
Variant type: single nucleotide variant.
Coding change: c.6211C>T on transcript NM_003482.4 (MANE Select); coding-DNA position 6211, C replaced by T.
Protein change: p.His2071Tyr; replaces histidine 2071 with tyrosine.
Molecular consequence: missense variant.
Genome position (GRCh38, 1-based): chr12:49,041,678, G>A on the plus strand (C>T on the coding strand, the complement: KMT2D is on the minus strand). VCF-style: chr12-49041678-G-A. GRCh37 (hg19) VCF-style: chr12-49435461-G-A.
Other names: short protein forms H2071Y.
Identifiers: ClinVar variation 2413070 (VCV002413070.3), dbSNP rs2120550057, ClinGen allele CA384625566.
Genomic context (GRCh38, chr12:49,041,678, plus strand): 5'-CTAGAGGACTGCTACACCCCAGCCCAGCCCCACTCACCTTCTGCACCTTGTTGATGCGGT[G>A]AGCTGCCCGGTTATCTTTGGCCTTTTGCTGAGGGATATGGGACACAGCCTTAGGGCCTAG-3'
Protein context (NP_003473.3, residues 2061-2081): LQKAKDNRAA[His2071Tyr]RINKVQKQAE